The following is an entry in ClinVar:

NM_015102.5(NPHP4):c.1271A>G (p.Lys424Arg)

Gene: NPHP4 (nephrocystin 4; minus strand). Cytogenetic location: 1p36.31.
Variant type: single nucleotide variant.
Coding change: c.1271A>G on transcript NM_015102.5 (MANE Select); coding-DNA position 1271, A replaced by G.
Protein change: p.Lys424Arg; replaces lysine 424 with arginine.
Molecular consequence: missense variant. On other transcripts: 5 prime UTR variant (2), non-coding transcript variant (1).
Genome position (GRCh38, 1-based): chr1:5,933,178, T>C on the plus strand (A>G on the coding strand, the complement: NPHP4 is on the minus strand). VCF-style: chr1-5933178-T-C. GRCh37 (hg19) VCF-style: chr1-5993238-T-C.
Other names: c.-96A>G (NM_001291593.2, NM_001291594.2); c.1271A>G (NM_015102.3, NM_015102.4); short protein forms K424R.
Identifiers: ClinVar variation 1284836 (VCV001284836.5), dbSNP rs537585040, ClinGen allele CA17141953.

ClinVar aggregate classification (germline): Uncertain significance. Review status: criteria provided, multiple submitters, no conflicts (2 of 4 stars). 4 submissions from 4 submitters: Uncertain significance (2). 2 of the submissions do not count toward it. Last evaluated 2026-08-05.

Conditions:
Inborn genetic diseases. Identifiers: MedGen C0950123, MeSH D030342.
NPHP4-related disorder. Also called: NPHP4-related condition; NPHP4-related disorders. Identifiers: MedGen CN239384.

Allele frequency attached by ClinVar (database versions not stated): gnomAD 0.00001; TOPMed 0.00002.
gnomAD v4.1: 30 of 1,610,150 alleles (0.0019%); highest among the groups gnomAD compares: Non-Finnish European, 0.0025%; no homozygotes.

Submissions (4):

PreventionGenetics, part of Exact Sciences
Classification: Uncertain significance for NPHP4-related condition. Last evaluated: 2026-08-05. Review status: criteria provided, single submitter. Criteria: ACMG Guidelines, 2015. Collection method: clinical testing. Allele origin: germline.
Comment: The NPHP4 c.1271A>G variant is predicted to result in the amino acid substitution p.Lys424Arg. To our knowledge, this variant has not been reported in the literature or in a large population database (gnomAD), indicating this variant is rare. At this time, the clinical significance of this variant is uncertain due to the absence of conclusive functional and genetic evidence.

Ambry Genetics
Classification: Uncertain significance for Inborn genetic diseases. Last evaluated: 2025-05-20. Review status: criteria provided, single submitter. Criteria: Ambry Variant Classification Scheme 2023. Collection method: clinical testing. Allele origin: germline.

Clinical Genetics DNA and cytogenetics Diagnostics Lab, Erasmus MC, Erasmus Medical Center
Classification: Uncertain significance. Review status: no assertion criteria provided. Collection method: clinical testing. Allele origin: germline. Affected: yes. Study: VKGL Data-share Consensus. Not counted in ClinVar's aggregate classification.

Clinical Genetics, Academic Medical Center
Classification: Uncertain significance. Review status: no assertion criteria provided. Collection method: clinical testing. Allele origin: germline. Affected: yes. Study: VKGL Data-share Consensus. Not counted in ClinVar's aggregate classification.